The following is an entry in ClinVar:

NM_005732.4(RAD50):c.561dup (p.Ala188fs)

Gene: RAD50 (RAD50 double strand break repair protein; plus strand). Cytogenetic location: 5q31.1.
Variant type: Duplication.
Coding change: c.561dup on transcript NM_005732.4 (MANE Select); coding-DNA position 561, one base duplicated (A; older notation c.561dupA).
Protein change: p.Ala188fs; shifts the reading frame from alanine 188.
Molecular consequence: frameshift variant.
Genome position (GRCh38, 1-based): chr5:132,579,871, A duplicated; the last of 3 consecutive A bases (chr5:132,579,869-132,579,871); duplicating any one gives the same sequence. VCF-style (leftmost placement, unchanged base first): chr5-132579868-T-TA. GRCh37 (hg19) VCF-style: chr5-131915560-T-TA.
Other names: c.561dup (NM_005732.3); short protein forms A188fs.
Identifiers: ClinVar variation 231180 (VCV000231180.18), dbSNP rs876659005, ClinGen allele CA3405001.
Genomic context (GRCh38, chr5:132,579,868, plus strand): 5'-ATATACCATAATTTACTTTGCCAGAAATTTGATTTTTGTTTCATATCTTCAAAGATACAT[T>TA]AAAGCCTTAGAAACACTTCGGCAGGTACGTCAGACACAAGGTCAGAAAGTAAAAGAATAT-3'

ClinVar aggregate classification (germline): Pathogenic/Likely pathogenic. Review status: criteria provided, multiple submitters, no conflicts (2 of 4 stars). 4 submissions from 4 submitters: Pathogenic (2); Likely pathogenic (1). 1 of the submissions does not count toward it. Last evaluated 2025-06-15.

Conditions:
Hereditary cancer-predisposing syndrome. Also called: Neoplastic Syndromes, Hereditary; Tumor predisposition; Hereditary Cancer Syndrome; Hereditary neoplastic syndrome. Identifiers: Orphanet 140162, MedGen C0027672, MeSH D009386, MONDO:0015356.
Nijmegen breakage syndrome-like disorder (NBSLD). Also called: MICROCEPHALY AND SPONTANEOUS CHROMOSOME INSTABILITY WITHOUT IMMUNODEFICIENCY; NBS-LIKE DISORDER; RAD50 DEFICIENCY. Identifiers: Orphanet 240760, MedGen C2751318, MONDO:0013118, OMIM 613078.

Submissions (4):

Labcorp Genetics (formerly Invitae), Labcorp
Classification: Pathogenic for Hereditary cancer-predisposing syndrome. Last evaluated: 2025-06-15. Review status: criteria provided, single submitter. Criteria: Invitae Variant Classification Sherloc (09022015). Collection method: clinical testing. Allele origin: germline.
Comment: This sequence change creates a premature translational stop signal (p.Ala188Serfs*30) in the RAD50 gene. It is expected to result in an absent or disrupted protein product. Loss-of-function variants in RAD50 are known to be pathogenic (PMID: 19409520). This variant is present in population databases (rs774886464, gnomAD 0.0009%). This variant has not been reported in the literature in individuals affected with RAD50-related conditions. ClinVar contains an entry for this variant (Variation ID: 231180). For these reasons, this variant has been classified as Pathogenic.

Baylor Genetics
Classification: Likely pathogenic for Nijmegen breakage syndrome-like disorder. Last evaluated: 2024-02-09. Review status: criteria provided, single submitter. Criteria: ACMG Guidelines, 2015. Collection method: clinical testing. Allele origin: unknown.

Ambry Genetics
Classification: Pathogenic for Hereditary cancer-predisposing syndrome. Last evaluated: 2022-03-17. Review status: criteria provided, single submitter. Criteria: Ambry Variant Classification Scheme 2023. Collection method: clinical testing. Allele origin: germline.
Comment: The c.561dupA pathogenic mutation, located in coding exon 5 of the RAD50 gene, results from a duplication of A at nucleotide position 561, causing a translational frameshift with a predicted alternate stop codon (p.A188Sfs*30). This alteration is expected to result in loss of function by premature protein truncation or nonsense-mediated mRNA decay. As such, this alteration is interpreted as a disease-causing mutation.

Counsyl
Classification: Likely pathogenic for Nijmegen breakage syndrome-like disorder. Last evaluated: 2016-10-26. Review status: no assertion criteria provided. Collection method: clinical testing. Allele origin: unknown. Not counted in ClinVar's aggregate classification.

Literature cited by the submitters: PubMed 19409520 (cited by Labcorp Genetics (formerly Invitae), Labcorp).